The following is an entry in ClinVar:

NM_007294.4(BRCA1):c.4484+899C>T

Gene: BRCA1 (BRCA1 DNA repair associated; minus strand). Cytogenetic location: 17q21.31.
Variant type: single nucleotide variant.
Coding change: c.4484+899C>T on transcript NM_007294.4 (MANE Select); 899 bases into the intron after coding-DNA position 4484, C replaced by T.
Molecular consequence: intron variant.
Genome position (GRCh38, 1-based): chr17:43,075,589, G>A on the plus strand (C>T on the coding strand, the complement: BRCA1 is on the minus strand). VCF-style: chr17-43075589-G-A. GRCh37 (hg19) VCF-style: chr17-41227606-G-A.
Other names: IVS 14+899C>T; c.4361+899C>T (NM_001407668.1, NM_001407664.1, NM_001407666.1 and 6 more transcripts); c.4481+899C>T (NM_001407622.1, NM_001407860.1, NM_001407611.1 and 17 more transcripts); c.4484+899C>T (NM_001407602.1, NM_001407597.1, NM_001407605.1 and 8 more transcripts); c.4547+899C>T (NM_001407585.1, NM_007300.4, NM_001407583.1 and 1 more transcripts); c.4214+899C>T (NM_001407936.1, NM_001407934.1, NM_001407935.1); c.4337+899C>T (NM_001407849.1, NM_001407845.1, NM_001407852.1 and 12 more transcripts); c.4340+899C>T (NM_001407744.1, NM_001407750.1, NM_001407732.1 and 21 more transcripts); and 72 more.
Identifiers: ClinVar variation 209379 (VCV000209379.2), dbSNP rs181392764, ClinGen allele CA276351.
Genomic context (GRCh38, chr17:43,075,589, plus strand): 5'-AAGATGGGTGAGACCTGAATTACTGCTCTCTCTCTCTTTTTTTTTTTGTTTTGAGACGGA[G>A]TCTTGCTCTGTCGCCCAGGCTGGAGTGCAATGGCACGGTCCCAGCTCACTGCAACCTCTG-3'

ClinVar aggregate classification (germline): Benign (3 of 4 stars; one submission).

Conditions:
Breast-ovarian cancer, familial, susceptibility to, 1 (BROVCA1). Also called: BRCA1 Hereditary Breast and Ovarian Cancer; OVARIAN CANCER, SUSCEPTIBILITY TO. Identifiers: Orphanet 145, MedGen C2676676, MONDO:0011450, OMIM 604370. Disease mechanism: loss of function.

Allele frequency attached by ClinVar (database versions not stated): TOPMed 0.00116; gnomAD 0.00126 and 0.00130; 1000 Genomes Project 30x 0.00250; 1000 Genomes Project 0.00260.
gnomAD v4.1: 191 of 151,942 alleles (0.13%); highest among the groups gnomAD compares: African/African-American, 0.43%; 1 homozygote.

Submission:

Evidence-based Network for the Interpretation of Germline Mutant Alleles (ENIGMA)
Classification: Benign for Breast-ovarian cancer, familial 1. Last evaluated: 2015-01-12. Review status: reviewed by expert panel. Criteria: ENIGMA BRCA1/2 Classification Criteria (2015). Collection method: curation. Allele origin: germline.
Comment: Class 1 not pathogenic based on frequency >1% in an outbred sampleset. Frequency 0.02033 (African), derived from 1000 genomes (2012-04-30).